The following is an entry in ClinVar:

NM_032607.3(CREB3L3):c.643C>T (p.Leu215Phe)

Gene: CREB3L3 (cAMP responsive element binding protein 3 like 3; plus strand). Cytogenetic location: 19p13.3.
Variant type: single nucleotide variant.
Coding change: c.643C>T on transcript NM_032607.3 (MANE Select); coding-DNA position 643, C replaced by T.
Protein change: p.Leu215Phe; replaces leucine 215 with phenylalanine.
Molecular consequence: missense variant.
Genome position (GRCh38, 1-based): chr19:4,164,569, C>T. VCF-style: chr19-4164569-C-T. GRCh37 (hg19) VCF-style: chr19-4164566-C-T.
Other names: c.640C>T, p.Leu214Phe (NM_001271995.2); c.637C>T, p.Leu213Phe (NM_001271996.2); c.643C>T, p.Leu215Phe (NM_001271997.2); short protein forms L214F, L213F, L215F.
Identifiers: ClinVar variation 4771905 (VCV004771905.1).

ClinVar aggregate classification (germline): Uncertain significance (1 of 4 stars; one submission).

Submission:

Labcorp Genetics (formerly Invitae), Labcorp
Classification: Uncertain significance. Last evaluated: 2025-12-29. Review status: criteria provided, single submitter. Criteria: Invitae Variant Classification Sherloc (09022015). Collection method: clinical testing. Allele origin: germline.
Comment: This sequence change replaces leucine, which is neutral and non-polar, with phenylalanine, which is neutral and non-polar, at codon 215 of the CREB3L3 protein (p.Leu215Phe). This variant is not present in population databases (gnomAD no frequency). This variant has not been reported in the literature in individuals affected with CREB3L3-related conditions. Invitae Evidence Modeling of protein sequence and biophysical properties (such as structural, functional, and spatial information, amino acid conservation, physicochemical variation, residue mobility, and thermodynamic stability) indicates that this missense variant is expected to disrupt CREB3L3 protein function with a positive predictive value of 80%. In summary, the available evidence is currently insufficient to determine the role of this variant in disease. Therefore, it has been classified as a Variant of Uncertain Significance.